The following is an entry in ClinVar:

NM_004130.4(GYG1):c.764C>T (p.Thr255Ile)

Gene: GYG1 (glycogenin 1; plus strand). Cytogenetic location: 3q24.
Variant type: single nucleotide variant.
Coding change: c.764C>T on transcript NM_004130.4 (MANE Select); coding-DNA position 764, C replaced by T.
Protein change: p.Thr255Ile; replaces threonine 255 with isoleucine.
Molecular consequence: missense variant. On other transcripts: intron variant (1).
Genome position (GRCh38, 1-based): chr3:149,024,208, C>T. VCF-style: chr3-149024208-C-T. GRCh37 (hg19) VCF-style: chr3-148741995-C-T.
Other names: c.764C>T, p.Thr255Ile (NM_001184720.2); c.609-2552C>T (NM_001184721.2); short protein forms T255I.
Identifiers: ClinVar variation 1496245 (VCV001496245.6), dbSNP rs2107921962, ClinGen allele CA354908611.

ClinVar aggregate classification (germline): Uncertain significance (1 of 4 stars; one submission).

Conditions:
Polyglucosan body myopathy type 2. Identifiers: Orphanet 456369, MedGen C4015452, MONDO:0014526, OMIM 616199.
Glycogen storage disease XV (GSD15). Also called: GLYCOGENIN DEFICIENCY; GSD XV. Identifiers: Orphanet 263297, MedGen C3150754, MONDO:0013291, OMIM 613507.

Allele frequency attached by ClinVar (database versions not stated): gnomAD exomes below 0.00001.
gnomAD v4.1: 1 of 1,613,932 alleles (0.000062%); highest among the groups gnomAD compares: Non-Finnish European, 0.000085%; no homozygotes.

Submission:

Labcorp Genetics (formerly Invitae), Labcorp
Classification: Uncertain significance for Polyglucosan body myopathy type 2; Glycogen storage disease XV. Last evaluated: 2022-09-01. Review status: criteria provided, single submitter. Criteria: Invitae Variant Classification Sherloc (09022015). Collection method: clinical testing. Allele origin: germline.
Comment: In summary, the available evidence is currently insufficient to determine the role of this variant in disease. Therefore, it has been classified as a Variant of Uncertain Significance. Algorithms developed to predict the effect of missense changes on protein structure and function are either unavailable or do not agree on the potential impact of this missense change (SIFT: "Deleterious"; PolyPhen-2: "Benign"; Align-GVGD: "Class C0"). ClinVar contains an entry for this variant (Variation ID: 1496245). This variant has not been reported in the literature in individuals affected with GYG1-related conditions. This variant is not present in population databases (gnomAD no frequency). This sequence change replaces threonine, which is neutral and polar, with isoleucine, which is neutral and non-polar, at codon 255 of the GYG1 protein (p.Thr255Ile).